The following is an entry in ClinVar:

NM_182931.3(KMT2E):c.1996C>T (p.Arg666Trp)

Gene: KMT2E (lysine methyltransferase 2E (inactive); plus strand). Cytogenetic location: 7q22.3.
Variant type: single nucleotide variant.
Coding change: c.1996C>T on transcript NM_182931.3 (MANE Select); coding-DNA position 1996, C replaced by T.
Protein change: p.Arg666Trp; replaces arginine 666 with tryptophan.
Molecular consequence: missense variant.
Genome position (GRCh38, 1-based): chr7:105,101,994, C>T. VCF-style: chr7-105101994-C-T. GRCh37 (hg19) VCF-style: chr7-104742441-C-T.
Other names: c.1996C>T, p.Arg666Trp (NM_001410908.1, NM_018682.4); short protein forms R666W.
Identifiers: ClinVar variation 3698395 (VCV003698395.2).

ClinVar aggregate classification (germline): Uncertain significance (1 of 4 stars; one submission).

gnomAD v4.1: 1 of 1,613,864 alleles (0.000062%); highest among the groups gnomAD compares: Non-Finnish European, 0.000085%; no homozygotes.

Submission:

Labcorp Genetics (formerly Invitae), Labcorp
Classification: Uncertain significance. Last evaluated: 2024-04-27. Review status: criteria provided, single submitter. Criteria: Invitae Variant Classification Sherloc (09022015). Collection method: clinical testing. Allele origin: germline.
Comment: This sequence change replaces arginine, which is basic and polar, with tryptophan, which is neutral and slightly polar, at codon 666 of the KMT2E protein (p.Arg666Trp). This variant is not present in population databases (gnomAD no frequency). This variant has not been reported in the literature in individuals affected with KMT2E-related conditions. Advanced modeling of protein sequence and biophysical properties (such as structural, functional, and spatial information, amino acid conservation, physicochemical variation, residue mobility, and thermodynamic stability) performed at Invitae indicates that this missense variant is expected to disrupt KMT2E protein function with a positive predictive value of 80%. In summary, the available evidence is currently insufficient to determine the role of this variant in disease. Therefore, it has been classified as a Variant of Uncertain Significance.